The following is an entry in ClinVar:

ClinVar aggregate classification (germline): Likely benign (1 of 4 stars; one submission).

Allele frequency attached by ClinVar (database versions not stated): ExAC 0.00002; gnomAD exomes 0.00002; gnomAD 0.00004; TOPMed 0.00005; ESP Exome Variant Server 0.00008.
gnomAD v4.1: 34 of 1,613,008 alleles (0.0021%); highest among the groups gnomAD compares: Middle Eastern, 0.017%; no homozygotes.

Submission:

CeGaT Center for Human Genetics Tuebingen
Classification: Likely benign. Last evaluated: 2022-05-01. Review status: criteria provided, single submitter. Criteria: CeGaT Center For Human Genetics Tuebingen Variant Classification Criteria Version 2. Collection method: clinical testing. Allele origin: germline. Affected: yes. Observed: 1 variant allele.
Comment: DAP3: BP4

NM_004632.4(DAP3):c.45+3G>A

Gene: DAP3 (death associated protein 3; plus strand). Cytogenetic location: 1q22.
Variant type: single nucleotide variant.
Coding change: c.45+3G>A on transcript NM_004632.4 (MANE Select); 3 bases into the intron after coding-DNA position 45, G replaced by A.
Molecular consequence: intron variant.
Genome position (GRCh38, 1-based): chr1:155,709,827, G>A. VCF-style: chr1-155709827-G-A. GRCh37 (hg19) VCF-style: chr1-155679618-G-A.
Other names: c.45+3G>A (NM_001199849.1, NM_001199850.1, NM_001199851.1 and 1 more transcripts).
Identifiers: ClinVar variation 2639434 (VCV002639434.24), dbSNP rs369497354, ClinGen allele CA1149143.